The following is an entry in ClinVar:

ClinVar aggregate classification (germline): Uncertain significance (1 of 4 stars; one submission).

Allele frequency attached by ClinVar (database versions not stated): gnomAD exomes below 0.00001; TOPMed below 0.00001; ExAC 0.00001; gnomAD 0.00001.
gnomAD v4.1: 6 of 1,613,448 alleles (0.00037%); highest among the groups gnomAD compares: Non-Finnish European, 0.00034%; no homozygotes.

Submission:

Labcorp Genetics (formerly Invitae), Labcorp
Classification: Uncertain significance. Last evaluated: 2024-11-11. Review status: criteria provided, single submitter. Criteria: Invitae Variant Classification Sherloc (09022015). Collection method: clinical testing. Allele origin: germline.
Comment: This sequence change replaces histidine, which is basic and polar, with glutamine, which is neutral and polar, at codon 499 of the GTPBP3 protein (p.His499Gln). This variant is present in population databases (rs770627342, gnomAD 0.002%). This variant has not been reported in the literature in individuals affected with GTPBP3-related conditions. ClinVar contains an entry for this variant (Variation ID: 1932453). Invitae Evidence Modeling of protein sequence and biophysical properties (such as structural, functional, and spatial information, amino acid conservation, physicochemical variation, residue mobility, and thermodynamic stability) indicates that this missense variant is not expected to disrupt GTPBP3 protein function with a negative predictive value of 80%. In summary, the available evidence is currently insufficient to determine the role of this variant in disease. Therefore, it has been classified as a Variant of Uncertain Significance.

NM_032620.4(GTPBP3):c.1401C>A (p.His467Gln)

Gene: GTPBP3 (GTP binding protein 3, mitochondrial; plus strand). Cytogenetic location: 19p13.11.
Variant type: single nucleotide variant.
Coding change: c.1401C>A on transcript NM_032620.4 (MANE Select); coding-DNA position 1401, C replaced by A.
Protein change: p.His467Gln; replaces histidine 467 with glutamine.
Molecular consequence: missense variant.
Genome position (GRCh38, 1-based): chr19:17,341,625, C>A. VCF-style: chr19-17341625-C-A. GRCh37 (hg19) VCF-style: chr19-17452434-C-A.
Other names: c.1338C>A, p.His446Gln (NM_001128855.3); c.1467C>A, p.His489Gln (NM_001195422.1); c.1497C>A, p.His499Gln (NM_133644.4); short protein forms H446Q, H467Q, H489Q, H499Q.
Identifiers: ClinVar variation 1932453 (VCV001932453.5), dbSNP rs770627342, ClinGen allele CA9293730.